The following is an entry in ClinVar:

NM_001278431.2(C1QTNF5):c.25C>G (p.Leu9Val)

Genes: C1QTNF5 (C1q and TNF related 5; minus strand), MFRP (membrane frizzled-related protein; minus strand). Cytogenetic location: 11q23.3.
Variant type: single nucleotide variant.
Coding change: c.25C>G on transcript NM_001278431.2 (MANE Select); coding-DNA position 25, C replaced by G.
Protein change: p.Leu9Val; replaces leucine 9 with valine.
Molecular consequence: missense variant. On other transcripts: 3 prime UTR variant (1).
Genome position (GRCh38, 1-based): chr11:119,340,373, G>C on the plus strand (C>G on the coding strand, the complement: C1QTNF5 is on the minus strand). VCF-style: chr11-119340373-G-C. GRCh37 (hg19) VCF-style: chr11-119211083-G-C.
Other names: c.25C>G, p.Leu9Val (NM_015645.5); c.*921C>G (NM_031433.4); short protein forms L9V.
Identifiers: ClinVar variation 1036610 (VCV001036610.9), dbSNP rs1950490319, ClinGen allele CA382971117.

ClinVar aggregate classification (germline): Uncertain significance (1 of 4 stars; one submission).

Submission:

Labcorp Genetics (formerly Invitae), Labcorp
Classification: Uncertain significance. Last evaluated: 2023-07-10. Review status: criteria provided, single submitter. Criteria: Invitae Variant Classification Sherloc (09022015). Collection method: clinical testing. Allele origin: germline.
Comment: In summary, the available evidence is currently insufficient to determine the role of this variant in disease. Therefore, it has been classified as a Variant of Uncertain Significance. Experimental studies and prediction algorithms are not available or were not evaluated, and the functional significance of this variant is currently unknown. ClinVar contains an entry for this variant (Variation ID: 1036610). This variant has not been reported in the literature in individuals affected with C1QTNF5-related conditions. This variant is not present in population databases (gnomAD no frequency). This sequence change replaces leucine, which is neutral and non-polar, with valine, which is neutral and non-polar, at codon 9 of the C1QTNF5 protein (p.Leu9Val).